The following is an entry in ClinVar:

NM_000350.3(ABCA4):c.5587G>A (p.Glu1863Lys)

Gene: ABCA4 (ATP binding cassette subfamily A member 4; minus strand). Cytogenetic location: 1p22.1.
Variant type: single nucleotide variant.
Coding change: c.5587G>A on transcript NM_000350.3 (MANE Select); coding-DNA position 5587, G replaced by A.
Protein change: p.Glu1863Lys; replaces glutamic acid 1863 with lysine.
Molecular consequence: missense variant.
Genome position (GRCh38, 1-based): chr1:94,010,927, C>T on the plus strand (G>A on the coding strand, the complement: ABCA4 is on the minus strand). VCF-style: chr1-94010927-C-T. GRCh37 (hg19) VCF-style: chr1-94476483-C-T.
Other names: c.5587G>A (NM_000350.2); c.5365G>A, p.Glu1789Lys (NM_001425324.1); short protein forms E1863K, E1789K.
Identifiers: ClinVar variation 1034472 (VCV001034472.9), dbSNP rs774570747, ClinGen allele CA957199.

ClinVar aggregate classification (germline): Uncertain significance. Review status: criteria provided, multiple submitters, no conflicts (2 of 4 stars). 2 submissions from 2 submitters: Uncertain significance (2). Last evaluated 2025-08-04.

Conditions:
Inborn genetic diseases. Identifiers: MedGen C0950123, MeSH D030342.

Allele frequency attached by ClinVar (database versions not stated): gnomAD exomes below 0.00001 and 0.00001; TOPMed below 0.00001; ExAC 0.00001.
gnomAD v4.1: 8 of 1,614,110 alleles (0.0005%); highest among the groups gnomAD compares: Non-Finnish European, 0.00068%; no homozygotes.

Submissions (2):

Ambry Genetics
Classification: Uncertain significance for Inborn genetic diseases. Last evaluated: 2025-08-04. Review status: criteria provided, single submitter. Criteria: Ambry Variant Classification Scheme 2023. Collection method: clinical testing. Allele origin: germline.

Labcorp Genetics (formerly Invitae), Labcorp
Classification: Uncertain significance. Last evaluated: 2023-03-10. Review status: criteria provided, single submitter. Criteria: Invitae Variant Classification Sherloc (09022015). Collection method: clinical testing. Allele origin: germline.
Comment: This sequence change replaces glutamic acid, which is acidic and polar, with lysine, which is basic and polar, at codon 1863 of the ABCA4 protein (p.Glu1863Lys). This variant is present in population databases (rs774570747, gnomAD 0.0009%). This missense change has been observed in individual(s) with clinical features of ABCA4-related conditions (Invitae). ClinVar contains an entry for this variant (Variation ID: 1034472). An algorithm developed to predict the effect of missense changes on protein structure and function (PolyPhen-2) suggests that this variant is likely to be tolerated. In summary, the available evidence is currently insufficient to determine the role of this variant in disease. Therefore, it has been classified as a Variant of Uncertain Significance.